The following is an entry in ClinVar:

ClinVar aggregate classification (germline): Uncertain significance. Review status: criteria provided, single submitter (1 of 4 stars). 2 submissions from 2 submitters: Uncertain significance (1). 1 of the submissions does not count toward it. Last evaluated 2024-04-07.

Conditions:
MKKS-related disorder. Also called: MKKS-related condition; MKKS-related disorders.
McKusick-Kaufman syndrome (MKKS). Also called: HYDROMETROCOLPOS SYNDROME; HYDROMETROCOLPOS, POSTAXIAL POLYDACTYLY, AND CONGENITAL HEART MALFORMATION. Identifiers: Orphanet 2473, MedGen C0948368, MONDO:0009367, OMIM 236700.
Bardet-Biedl syndrome 6 (BBS6). Identifiers: Orphanet 110, MedGen C1858054, MONDO:0011523, OMIM 605231.

gnomAD v4.1: 12 of 1,614,176 alleles (0.00074%); highest among the groups gnomAD compares: Non-Finnish European, 0.001%; no homozygotes.

Submissions (2):

Fulgent Genetics
Classification: Uncertain significance for McKusick-Kaufman syndrome; Bardet-Biedl syndrome 6. Last evaluated: 2024-04-07. Review status: criteria provided, single submitter. Criteria: ACMG Guidelines, 2015. Collection method: clinical testing. Allele origin: germline.

PreventionGenetics, part of Exact Sciences
Classification: Uncertain significance for MKKS-related condition. Last evaluated: 2024-09-10. Review status: no assertion criteria provided. Collection method: clinical testing. Allele origin: germline. Not counted in ClinVar's aggregate classification.
Comment: The MKKS c.1487A>G variant is predicted to result in the amino acid substitution p.Gln496Arg. To our knowledge, this variant has not been reported in the literature or in a large population database, indicating this variant is rare. At this time, the clinical significance of this variant is uncertain due to the absence of conclusive functional and genetic evidence.

NM_170784.3(MKKS):c.1487A>G (p.Gln496Arg)

Gene: MKKS (MKKS centrosomal shuttling protein; minus strand). Cytogenetic location: 20p12.2.
Variant type: single nucleotide variant.
Coding change: c.1487A>G on transcript NM_170784.3 (MANE Select); coding-DNA position 1487, A replaced by G.
Protein change: p.Gln496Arg; replaces glutamine 496 with arginine.
Molecular consequence: missense variant. On other transcripts: non-coding transcript variant (1).
Genome position (GRCh38, 1-based): chr20:10,405,473, T>C on the plus strand (A>G on the coding strand, the complement: MKKS is on the minus strand). VCF-style: chr20-10405473-T-C. GRCh37 (hg19) VCF-style: chr20-10386121-T-C.
Other names: c.1487A>G, p.Gln496Arg (NM_018848.3); short protein forms Q496R.
Identifiers: ClinVar variation 3355283 (VCV003355283.2).
Genomic context (GRCh38, chr20:10,405,473, plus strand): 5'-GTGCTTCTTAAGAAAGACCAGTTGAGTTCTTCCTGGCTATTGTATAATCCACAGCCACAC[T>C]GTGAAAGCAAATCTGGCCAGTTAGCAACACAGGGAGAATCTGCCTGAACTGACCAAAGGT-3'
Protein context (NP_740754.1, residues 486-506): CVANWPDLLS[Gln496Arg]CGCGLYNSQE